The following is an entry in ClinVar:

NM_001620.3(AHNAK):c.9425A>G (p.Gln3142Arg)

Gene: AHNAK (AHNAK nucleoprotein; minus strand). Cytogenetic location: 11q12.3.
Variant type: single nucleotide variant.
Coding change: c.9425A>G on transcript NM_001620.3 (MANE Select); coding-DNA position 9425, A replaced by G.
Protein change: p.Gln3142Arg; replaces glutamine 3142 with arginine.
Molecular consequence: missense variant. On other transcripts: intron variant (1).
Genome position (GRCh38, 1-based): chr11:62,524,992, T>C on the plus strand (A>G on the coding strand, the complement: AHNAK is on the minus strand). VCF-style: chr11-62524992-T-C. GRCh37 (hg19) VCF-style: chr11-62292464-T-C.
Other names: c.9425A>G, p.Gln3142Arg (NM_001346445.2, NM_001346446.2); c.342+10011A>G (NM_024060.4); short protein forms Q3142R.
Identifiers: ClinVar variation 2210985 (VCV002210985.17), dbSNP rs142407818, ClinGen allele CA6045152.
Genomic context (GRCh38, chr11:62,524,992, plus strand): 5'-CCAGGCATGCTGATCTTGGGCATTTTTATTTTAGGCATCTTCAGGTGCCAGTCTGGGCCT[T>C]GAACATCCACATCTGGGGCATTAATATCCACTTTGGGGCCTTTAATATCCACGTCAGGAA-3'
Protein context (NP_001611.1, residues 3132-3152): VDINAPDVDV[Gln3142Arg]GPDWHLKMPK

ClinVar aggregate classification (germline): Conflicting classifications of pathogenicity. Review status: criteria provided, conflicting classifications (1 of 4 stars). 2 submissions from 2 submitters: Uncertain significance (1); Benign (1). Last evaluated 2025-07-01.

Allele frequency attached by ClinVar (database versions not stated): 1000 Genomes Project 0.00080; TOPMed 0.00061; gnomAD 0.00065; gnomAD exomes 0.00073; ExAC 0.00074; ESP Exome Variant Server 0.00077; 1000 Genomes Project 30x 0.00078.

Submissions (2):

CeGaT Center for Human Genetics Tuebingen
Classification: Benign. Last evaluated: 2025-07-01. Review status: criteria provided, single submitter. Criteria: CeGaT Center For Human Genetics Tuebingen Variant Classification Criteria Version 2. Collection method: clinical testing. Allele origin: germline. Affected: yes. Observed: 2 variant alleles.
Comment: AHNAK: BS1, BS2

Ambry Genetics
Classification: Uncertain significance. Last evaluated: 2024-05-12. Review status: criteria provided, single submitter. Criteria: Ambry Variant Classification Scheme 2023. Collection method: clinical testing. Allele origin: germline.